The following is an entry in ClinVar:

ClinVar aggregate classification (germline): Uncertain significance (1 of 4 stars; one submission).

Submission:

GeneDx
Classification: Uncertain significance. Last evaluated: 2025-02-23. Review status: criteria provided, single submitter. Criteria: GeneDx Variant Classification Process June 2021. Collection method: clinical testing. Allele origin: germline. Affected: yes.
Comment: Not observed at significant frequency in large population cohorts (gnomAD); In silico analysis indicates that this missense variant does not alter protein structure/function; Has not been previously published as pathogenic or benign to our knowledge

NM_000702.4(ATP1A2):c.2917G>A (p.Val973Ile)

Gene: ATP1A2 (ATPase Na+/K+ transporting subunit alpha 2; plus strand). Cytogenetic location: 1q23.2.
Variant type: single nucleotide variant.
Coding change: c.2917G>A on transcript NM_000702.4 (MANE Select); coding-DNA position 2917, G replaced by A.
Protein change: p.Val973Ile; replaces valine 973 with isoleucine.
Molecular consequence: missense variant.
Genome position (GRCh38, 1-based): chr1:160,139,716, G>A. VCF-style: chr1-160139716-G-A. GRCh37 (hg19) VCF-style: chr1-160109506-G-A.
Other names: short protein forms V973I.
Identifiers: ClinVar variation 4076724 (VCV004076724.1).